The following is an entry in ClinVar:

NM_153704.6(TMEM67):c.1589T>C (p.Val530Ala)

Gene: TMEM67 (transmembrane protein 67; plus strand). Cytogenetic location: 8q22.1.
Variant type: single nucleotide variant.
Coding change: c.1589T>C on transcript NM_153704.6 (MANE Select); coding-DNA position 1589, T replaced by C.
Protein change: p.Val530Ala; replaces valine 530 with alanine.
Molecular consequence: missense variant. On other transcripts: non-coding transcript variant (1).
Genome position (GRCh38, 1-based): chr8:93,793,211, T>C. VCF-style: chr8-93793211-T-C. GRCh37 (hg19) VCF-style: chr8-94805439-T-C.
Other names: c.1346T>C, p.Val449Ala (NM_001142301.1); short protein forms V449A, V530A.
Identifiers: ClinVar variation 2122053 (VCV002122053.4), dbSNP rs2536888168, ClinGen allele CA371691156.

ClinVar aggregate classification (germline): Uncertain significance (1 of 4 stars; one submission).

Conditions:
Joubert syndrome. Also called: CEREBELLOPARENCHYMAL DISORDER IV; JOUBERT-BOLTSHAUSER SYNDROME; Familial aplasia of the vermis. Identifiers: Orphanet 475, MedGen C5979921, MONDO:0018772.
Meckel-Gruber syndrome. Also called: DYSENCEPHALIA SPLANCHNOCYSTICA; GRUBER SYNDROME; Dysencephalia splachnocystica. Identifiers: Orphanet 564, MedGen C0265215, MONDO:0018921.

Submission:

Labcorp Genetics (formerly Invitae), Labcorp
Classification: Uncertain significance for Joubert syndrome; Meckel-Gruber syndrome. Last evaluated: 2022-04-06. Review status: criteria provided, single submitter. Criteria: Invitae Variant Classification Sherloc (09022015). Collection method: clinical testing. Allele origin: germline.
Comment: In summary, the available evidence is currently insufficient to determine the role of this variant in disease. Therefore, it has been classified as a Variant of Uncertain Significance. Advanced modeling of protein sequence and biophysical properties (such as structural, functional, and spatial information, amino acid conservation, physicochemical variation, residue mobility, and thermodynamic stability) performed at Invitae indicates that this missense variant is expected to disrupt TMEM67 protein function. This variant has not been reported in the literature in individuals affected with TMEM67-related conditions. This variant is not present in population databases (gnomAD no frequency). This sequence change replaces valine, which is neutral and non-polar, with alanine, which is neutral and non-polar, at codon 530 of the TMEM67 protein (p.Val530Ala).